The following is an entry in ClinVar:

NM_001130987.2(DYSF):c.3313G>A (p.Asp1105Asn)

Gene: DYSF (dysferlin; plus strand). Cytogenetic location: 2p13.2.
Variant type: single nucleotide variant.
Coding change: c.3313G>A on transcript NM_001130987.2 (MANE Select); coding-DNA position 3313, G replaced by A.
Protein change: p.Asp1105Asn; replaces aspartic acid 1105 with asparagine.
Molecular consequence: missense variant.
Genome position (GRCh38, 1-based): chr2:71,574,282, G>A. VCF-style: chr2-71574282-G-A. GRCh37 (hg19) VCF-style: chr2-71801412-G-A.
Other names: c.3262G>A, p.Asp1088Asn (NM_001130455.2, NM_001130983.2); c.3217G>A, p.Asp1073Asn (NM_001130976.2, NM_001130977.2); c.3259G>A, p.Asp1087Asn (NM_001130978.2, NM_003494.4); c.3352G>A, p.Asp1118Asn (NM_001130979.2); c.3310G>A, p.Asp1104Asn (NM_001130980.2, NM_001130981.2); c.3355G>A, p.Asp1119Asn (NM_001130982.2); c.3220G>A, p.Asp1074Asn (NM_001130984.2, NM_001130986.2); c.3313G>A, p.Asp1105Asn (NM_001130985.2); short protein forms D1087N, D1088N, D1104N, D1105N, D1074N, D1073N, D1118N, D1119N.
Identifiers: ClinVar variation 2170621 (VCV002170621.1), dbSNP rs767715500, ClinGen allele CA347218213.
Genomic context (GRCh38, chr2:71,574,282, plus strand): 5'-GAGGGCTGGGAGTACGCCTCTCTTTTTGGCTGGAAGTTCCACCTCGAGTACCGCAAGACA[G>A]ATGCCTTCCGCCGCCGCCGCTGGCGCCGTCGCATGGAGCCACTGGAGAAGACGGGGCCTG-3'
Protein context (NP_001124459.1, residues 1095-1115): WKFHLEYRKT[Asp1105Asn]AFRRRRWRRR

ClinVar aggregate classification (germline): Uncertain significance (1 of 4 stars; one submission).

Conditions:
Neuromuscular disease caused by qualitative or quantitative defects of dysferlin. Also called: Dysferlinopathy; Qualitative or quantitative defects of dysferlin. Identifiers: Orphanet 207073, MedGen C2931687, MONDO:0016145.

gnomAD v4.1: 2 of 1,614,140 alleles (0.00012%); highest among the groups gnomAD compares: Middle Eastern, 0.016%; no homozygotes.

Submission:

Labcorp Genetics (formerly Invitae), Labcorp
Classification: Uncertain significance for Neuromuscular disease caused by qualitative or quantitative defects of dysferlin. Last evaluated: 2022-07-05. Review status: criteria provided, single submitter. Criteria: Invitae Variant Classification Sherloc (09022015). Collection method: clinical testing. Allele origin: germline.
Comment: This sequence change replaces aspartic acid, which is acidic and polar, with asparagine, which is neutral and polar, at codon 1087 of the DYSF protein (p.Asp1087Asn). This variant is not present in population databases (gnomAD no frequency). This variant has not been reported in the literature in individuals affected with DYSF-related conditions. Algorithms developed to predict the effect of missense changes on protein structure and function are either unavailable or do not agree on the potential impact of this missense change (SIFT: "Deleterious"; PolyPhen-2: "Probably Damaging"; Align-GVGD: "Class C0"). In summary, the available evidence is currently insufficient to determine the role of this variant in disease. Therefore, it has been classified as a Variant of Uncertain Significance.